The following is an entry in ClinVar:

NM_001286445.3(RIPOR2):c.2430G>A (p.Ala810=)

Gene: RIPOR2 (RHO family interacting cell polarization regulator 2; minus strand). Cytogenetic location: 6p22.3.
Variant type: single nucleotide variant.
Coding change: c.2430G>A on transcript NM_001286445.3 (MANE Select); coding-DNA position 2430, G replaced by A.
Protein change: p.Ala810=; no amino-acid change (alanine 810 retained).
Molecular consequence: synonymous variant.
Genome position (GRCh38, 1-based): chr6:24,830,585, C>T on the plus strand (G>A on the coding strand, the complement: RIPOR2 is on the minus strand). VCF-style: chr6-24830585-C-T. GRCh37 (hg19) VCF-style: chr6-24830813-C-T.
Other names: c.2343G>A, p.Ala781= (NM_001346031.2, NM_001346032.2); c.2493G>A, p.Ala831= (NM_014722.5).
Identifiers: ClinVar variation 666745 (VCV000666745.13), dbSNP rs541774937, ClinGen allele CA3659112.

ClinVar aggregate classification (germline): Likely benign. Review status: criteria provided, multiple submitters, no conflicts (2 of 4 stars). 3 submissions from 3 submitters: Likely benign (3). Last evaluated 2025-04-19.

Allele frequency attached by ClinVar (database versions not stated): ExAC 0.00005; gnomAD exomes 0.00009 and 0.00021; gnomAD 0.00019; TOPMed 0.00019; 1000 Genomes Project 0.00040; 1000 Genomes Project 30x 0.00047.
gnomAD v4.1: 182 of 1,551,460 alleles (0.012%); highest among the groups gnomAD compares: Admixed American, 0.15%; no homozygotes.

Submissions (3):

Labcorp Genetics (formerly Invitae), Labcorp
Classification: Likely benign. Last evaluated: 2025-04-19. Review status: criteria provided, single submitter. Criteria: Invitae Variant Classification Sherloc (09022015). Collection method: clinical testing. Allele origin: germline.

GeneDx
Classification: Likely benign. Last evaluated: 2020-11-20. Review status: criteria provided, single submitter. Criteria: GeneDx Variant Classification Process June 2021. Collection method: clinical testing. Allele origin: germline. Affected: yes.

Laboratory for Molecular Medicine, Mass General Brigham Personalized Medicine
Classification: Likely benign. Last evaluated: 2017-08-23. Review status: criteria provided, single submitter. Criteria: LMM Criteria. Collection method: clinical testing. Allele origin: germline. Observed: 1 variant allele.
Comment: p.Ala831Ala in exon 18 of FAM65B: This variant is not expected to have clinical significance because it does not alter an amino acid residue and is not located within the splice consensus sequence. It has been identified in 1/8752 European chromosomes by the Exome Aggregation Consortium (ExAC; dbSNP rs541774937).